The following is an entry in ClinVar:

ClinVar aggregate classification (germline): Likely benign. Review status: criteria provided, multiple submitters, no conflicts (2 of 4 stars). 5 submissions from 5 submitters: Likely benign (2). 3 of the submissions do not count toward it. Last evaluated 2026-06-01.

Conditions:
FLG-related disorder. Also called: FLG-related disorders; FLG-related condition.

Allele frequency attached by ClinVar (database versions not stated): ExAC 0.00280; gnomAD exomes 0.00292; 1000 Genomes Project 30x 0.00297; 1000 Genomes Project 0.00300; gnomAD 0.00351 and 0.00354; TOPMed 0.00380; ESP Exome Variant Server 0.00454.
gnomAD v4.1: 7,207 of 1,613,162 alleles (0.45%); highest among the groups gnomAD compares: Non-Finnish European, 0.55%; 27 homozygotes.

Submissions (5):

CeGaT Center for Human Genetics Tuebingen
Classification: Likely benign. Last evaluated: 2026-06-01. Review status: criteria provided, single submitter. Criteria: CeGaT Center For Human Genetics Tuebingen Variant Classification Criteria Version 2. Collection method: clinical testing. Allele origin: germline. Affected: yes. Observed: 10 variant alleles.
Comment: FLG: BP4, BS2

Blueprint Genetics
Classification: Likely benign. Last evaluated: 2024-11-26. Review status: criteria provided, single submitter. Criteria: ACMG Guidelines, 2015. Collection method: clinical testing. Allele origin: germline.

PreventionGenetics, part of Exact Sciences
Classification: Likely benign for FLG-related condition. Last evaluated: 2023-05-30. Review status: no assertion criteria provided. Collection method: clinical testing. Allele origin: germline. Not counted in ClinVar's aggregate classification.
Comment: This variant is classified as likely benign based on ACMG/AMP sequence variant interpretation guidelines (Richards et al. 2015 PMID: 25741868, with internal and published modifications).

Clinical Genetics DNA and cytogenetics Diagnostics Lab, Erasmus MC, Erasmus Medical Center
Classification: Likely benign. Review status: no assertion criteria provided. Collection method: clinical testing. Allele origin: germline. Affected: yes. Study: VKGL Data-share Consensus. Not counted in ClinVar's aggregate classification.

Laboratory of Diagnostic Genome Analysis, Leiden University Medical Center (LUMC)
Classification: Likely benign. Review status: no assertion criteria provided. Collection method: clinical testing. Allele origin: germline. Affected: yes. Study: VKGL Data-share Consensus. Not counted in ClinVar's aggregate classification.

NM_002016.2(FLG):c.2713G>A (p.Gly905Ser)

Genes: CCDST (cervical cancer associated DHX9 suppressive transcript; plus strand), FLG (filaggrin; minus strand). Cytogenetic location: 1q21.3.
Variant type: single nucleotide variant.
Coding change: c.2713G>A on transcript NM_002016.2 (MANE Select); coding-DNA position 2713, G replaced by A.
Protein change: p.Gly905Ser; replaces glycine 905 with serine.
Molecular consequence: missense variant.
Genome position (GRCh38, 1-based): chr1:152,312,173, C>T on the plus strand (G>A on the coding strand, the complement: FLG is on the minus strand). VCF-style: chr1-152312173-C-T. GRCh37 (hg19) VCF-style: chr1-152284649-C-T.
Other names: c.2713G>A (NM_002016.1); short protein forms G905S.
Identifiers: ClinVar variation 1206407 (VCV001206407.32), dbSNP rs142623038, ClinGen allele CA1107035.